The following is an entry in ClinVar:

ClinVar aggregate classification (germline): Uncertain significance (1 of 4 stars; one submission).

Conditions:
Epilepsy, familial focal, with variable foci 3 (FFEVF3). Identifiers: MedGen C4310708, MONDO:0014925, OMIM 617118.

Submission:

Labcorp Genetics (formerly Invitae), Labcorp
Classification: Uncertain significance for Epilepsy, familial focal, with variable foci 3. Last evaluated: 2024-07-31. Review status: criteria provided, single submitter. Criteria: Invitae Variant Classification Sherloc (09022015). Collection method: clinical testing. Allele origin: germline.
Comment: This sequence change replaces leucine, which is neutral and non-polar, with proline, which is neutral and non-polar, at codon 282 of the NPRL3 protein (p.Leu282Pro). This variant is not present in population databases (gnomAD no frequency). This variant has not been reported in the literature in individuals affected with NPRL3-related conditions. Advanced modeling of protein sequence and biophysical properties (such as structural, functional, and spatial information, amino acid conservation, physicochemical variation, residue mobility, and thermodynamic stability) performed at Invitae indicates that this missense variant is expected to disrupt NPRL3 protein function with a positive predictive value of 80%. In summary, the available evidence is currently insufficient to determine the role of this variant in disease. Therefore, it has been classified as a Variant of Uncertain Significance.

NM_001077350.3(NPRL3):c.845T>C (p.Leu282Pro)

Genes: HBA-LCR (alpha-globin locus control region; plus strand), NPRL3 (NPR3 like, GATOR1 complex subunit; minus strand). Cytogenetic location: 16p13.3.
Variant type: single nucleotide variant.
Coding change: c.845T>C on transcript NM_001077350.3 (MANE Select); coding-DNA position 845, T replaced by C.
Protein change: p.Leu282Pro; replaces leucine 282 with proline.
Molecular consequence: missense variant.
Genome position (GRCh38, 1-based): chr16:98,224, A>G on the plus strand (T>C on the coding strand, the complement: NPRL3 is on the minus strand). VCF-style: chr16-98224-A-G. GRCh37 (hg19) VCF-style: chr16-148222-A-G.
Other names: c.308T>C, p.Leu103Pro (NM_001039476.3); c.611T>C, p.Leu204Pro (NM_001243247.2); c.770T>C, p.Leu257Pro (NM_001243248.2, NM_001243249.2); short protein forms L103P, L257P, L282P, L204P.
Identifiers: ClinVar variation 3661085 (VCV003661085.2).